The following is an entry in ClinVar:

NM_138713.4(NFAT5):c.1989C>G (p.Gly663=)

Gene: NFAT5 (nuclear factor of activated T cells 5; plus strand). Cytogenetic location: 16q22.1.
Variant type: single nucleotide variant.
Coding change: c.1989C>G on transcript NM_138713.4 (MANE Select); coding-DNA position 1989, C replaced by G.
Protein change: p.Gly663=; no amino-acid change (glycine 663 retained).
Molecular consequence: synonymous variant.
Genome position (GRCh38, 1-based): chr16:69,691,814, C>G. VCF-style: chr16-69691814-C-G. GRCh37 (hg19) VCF-style: chr16-69725717-C-G.
Other names: c.1986C>G, p.Gly662= (NM_001113178.3); c.1314C>G, p.Gly438= (NM_001367709.1); c.1935C>G, p.Gly645= (NM_006599.4); c.1707C>G, p.Gly569= (NM_138714.4, NM_173214.3, NM_173215.3).
Identifiers: ClinVar variation 719203 (VCV000719203.13), dbSNP rs374964483, ClinGen allele CA8135701.

ClinVar aggregate classification (germline): Likely benign. Review status: criteria provided, multiple submitters, no conflicts (2 of 4 stars). 3 submissions from 3 submitters: Likely benign (2). 1 of the submissions does not count toward it. Last evaluated 2026-01-08.

Conditions:
NFAT5-related disorder. Also called: NFAT5-related condition.
Immunodeficiency. Identifiers: MedGen C0021051, MONDO:0021094, HP:0002721.

Allele frequency attached by ClinVar (database versions not stated): gnomAD 0.00002 and 0.00004; gnomAD exomes 0.00004; TOPMed 0.00005; ExAC 0.00006.
gnomAD v4.1: 47 of 1,614,014 alleles (0.0029%); highest among the groups gnomAD compares: East Asian, 0.036%; 1 homozygote.

Submissions (3):

Labcorp Genetics (formerly Invitae), Labcorp
Classification: Likely benign for Immunodeficiency. Last evaluated: 2026-01-08. Review status: criteria provided, single submitter. Criteria: Invitae Variant Classification Sherloc (09022015). Collection method: clinical testing. Allele origin: germline.

Blueprint Genetics
Classification: Likely benign. Last evaluated: 2024-11-20. Review status: criteria provided, single submitter. Criteria: ACMG Guidelines, 2015. Collection method: clinical testing. Allele origin: germline.

PreventionGenetics, part of Exact Sciences
Classification: Likely benign for NFAT5-related condition. Last evaluated: 2019-07-31. Review status: no assertion criteria provided. Collection method: clinical testing. Allele origin: germline. Not counted in ClinVar's aggregate classification.
Comment: This variant is classified as likely benign based on ACMG/AMP sequence variant interpretation guidelines (Richards et al. 2015 PMID: 25741868, with internal and published modifications).